The following is an entry in ClinVar:

NM_032119.4(ADGRV1):c.16268G>A (p.Gly5423Glu)

Gene: ADGRV1 (adhesion G protein-coupled receptor V1; plus strand). Cytogenetic location: 5q14.3.
Variant type: single nucleotide variant.
Coding change: c.16268G>A on transcript NM_032119.4 (MANE Select); coding-DNA position 16268, G replaced by A.
Protein change: p.Gly5423Glu; replaces glycine 5423 with glutamic acid.
Molecular consequence: missense variant. On other transcripts: non-coding transcript variant (1).
Genome position (GRCh38, 1-based): chr5:90,823,496, G>A. VCF-style: chr5-90823496-G-A. GRCh37 (hg19) VCF-style: chr5-90119313-G-A.
Other names: c.16268G>A (NM_032119.3); short protein forms G5423E.
Identifiers: ClinVar variation 1447977 (VCV001447977.6), dbSNP rs762908939, ClinGen allele CA360425582.

ClinVar aggregate classification (germline): Uncertain significance. Review status: criteria provided, multiple submitters, no conflicts (2 of 4 stars). 2 submissions from 2 submitters: Uncertain significance (2). Last evaluated 2024-12-31.

Conditions:
ADGRV1-related disorder. Also called: ADGRV1-related disorders; ADGRV1-related condition.

gnomAD v4.1: 1 of 1,613,698 alleles (0.000062%); highest among the groups gnomAD compares: Non-Finnish European, 0.000085%; no homozygotes.

Submissions (2):

PreventionGenetics, part of Exact Sciences
Classification: Uncertain significance for ADGRV1-related condition. Last evaluated: 2024-12-31. Review status: criteria provided, single submitter. Criteria: ACMG Guidelines, 2015. Collection method: clinical testing. Allele origin: germline.
Comment: The ADGRV1 c.16268G>A variant is predicted to result in the amino acid substitution p.Gly5423Glu. To our knowledge, this variant has not been reported in the literature or in a large population database (gnomAD), indicating this variant is rare. At this time, the clinical significance of this variant is uncertain due to the absence of conclusive functional and genetic evidence.

Labcorp Genetics (formerly Invitae), Labcorp
Classification: Uncertain significance. Last evaluated: 2022-02-10. Review status: criteria provided, single submitter. Criteria: Invitae Variant Classification Sherloc (09022015). Collection method: clinical testing. Allele origin: germline.
Comment: This sequence change replaces glycine, which is neutral and non-polar, with glutamic acid, which is acidic and polar, at codon 5423 of the ADGRV1 protein (p.Gly5423Glu). This variant is not present in population databases (gnomAD no frequency). This variant has not been reported in the literature in individuals affected with ADGRV1-related conditions. Algorithms developed to predict the effect of missense changes on protein structure and function are either unavailable or do not agree on the potential impact of this missense change (SIFT: "Tolerated"; PolyPhen-2: "Probably Damaging"; Align-GVGD: "Class C0"). In summary, the available evidence is currently insufficient to determine the role of this variant in disease. Therefore, it has been classified as a Variant of Uncertain Significance.